The following is an entry in ClinVar:

NM_000059.4(BRCA2):c.9186T>G (p.Asp3062Glu)

Gene: BRCA2 (BRCA2 DNA repair associated; plus strand). Cytogenetic location: 13q13.1.
Variant type: single nucleotide variant.
Coding change: c.9186T>G on transcript NM_000059.4 (MANE Select); coding-DNA position 9186, T replaced by G.
Protein change: p.Asp3062Glu; replaces aspartic acid 3062 with glutamic acid.
Molecular consequence: missense variant. On other transcripts: non-coding transcript variant (1).
Genome position (GRCh38, 1-based): chr13:32,380,075, T>G. VCF-style: chr13-32380075-T-G. GRCh37 (hg19) VCF-style: chr13-32954212-T-G.
Other names: c.9090T>G, p.Asp3030Glu (NM_001406719.1); c.9135T>G, p.Asp3045Glu (NM_001406720.1); c.4254T>G, p.Asp1418Glu (NM_001406721.1); c.2769T>G, p.Asp923Glu (NM_001406722.1); c.9186T>G, p.Asp3062Glu (NM_001432077.1); short protein forms D1418E, D3030E, D3045E, D3062E, D923E.
Identifiers: ClinVar variation 5038409 (VCV005038409.1).
Genomic context (GRCh38, chr13:32,380,075, plus strand): 5'-TGAAATTTTATTTCAGATTTACCAGCCACGGGAGCCCCTTCACTTCAGCAAATTTTTAGA[T>G]CCAGACTTTCAGCCATCTTGTTCTGAGGTGGACCTAATAGGATTTGTCGTTTCTGTTGTG-3'
Protein context (NP_000050.3, residues 3052-3072): REPLHFSKFL[Asp3062Glu]PDFQPSCSEV

ClinVar aggregate classification (germline): Uncertain significance (1 of 4 stars; one submission).

Conditions:
Breast-ovarian cancer, familial, susceptibility to, 2 (BROVCA2). Also called: BRCA2 Hereditary Breast and Ovarian Cancer. Identifiers: Orphanet 145, MedGen C2675520, MONDO:0012933, OMIM 612555. Disease mechanism: loss of function.

Submission:

St. Jude Molecular Pathology, St. Jude Children's Research Hospital
Classification: Uncertain significance for Breast-ovarian cancer, familial, susceptibility to, 2. Last evaluated: 2026-10-01. Review status: criteria provided, single submitter. Criteria: St. Jude Assertion Criteria 2020. Collection method: clinical testing. Allele origin: germline.
Comment: The BRCA2 c.9186T>G p.(Asp3062Glu) missense change is absent in gnomAD v2.1.1. In silico tools are inconclusive about a pathogenic or benign effect of this variant on protein function. To our knowledge, this variant ha s not been reported in individuals with BRCA2-related disease. In summary, the evidence currently available is insufficient to determine the clinical significance of this variant. It has therefore been classified as of uncertain significance (VUS-Low).